The following is an entry in ClinVar:

NM_000237.3(LPL):c.829G>A (p.Asp277Asn)

Gene: LPL (lipoprotein lipase; plus strand). Cytogenetic location: 8p21.3.
Variant type: single nucleotide variant.
Coding change: c.829G>A on transcript NM_000237.3 (MANE Select); coding-DNA position 829, G replaced by A.
Protein change: p.Asp277Asn; replaces aspartic acid 277 with asparagine.
Molecular consequence: missense variant.
Genome position (GRCh38, 1-based): chr8:19,955,894, G>A. VCF-style: chr8-19955894-G-A. GRCh37 (hg19) VCF-style: chr8-19813405-G-A.
Other names: D250N; short protein forms D277N.
Identifiers: ClinVar variation 1539 (VCV000001539.17), dbSNP rs118204068, ClinGen allele CA251877.

ClinVar aggregate classification (germline): Pathogenic/Likely pathogenic. Review status: criteria provided, multiple submitters, no conflicts (2 of 4 stars). 7 submissions from 7 submitters: Pathogenic (5); Likely pathogenic (1). 1 of the submissions does not count toward it. Last evaluated 2025-12-31.

Conditions:
Cardiovascular phenotype. Identifiers: MedGen CN230736.
Hyperlipidemia, familial combined, LPL related (FCHL3). Also called: Hyperapobetalipoproteinemia. Identifiers: MedGen C0020474, MONDO:0007759, OMIM 144250, HP:0008158.
Hyperlipoproteinemia, type I. Also called: Lipoprotein Lipase Deficiency; Lipase D deficiency; Familial Lipoprotein Lipase Deficiency; Hyperlipoproteinemia type 1; Hyperchylomicro-nemia familial; Familial chylomicronemia. Identifiers: Orphanet 309015, Orphanet 444490, MedGen C0023817, MONDO:0009387, OMIM 238600. Disease mechanism: loss of function.

Allele frequency attached by ClinVar (database versions not stated): gnomAD exomes 0.00002; TOPMed 0.00002; ExAC 0.00001; gnomAD 0.00001.
gnomAD v4.1: 13 of 1,613,966 alleles (0.00081%); highest among the groups gnomAD compares: Admixed American, 0.0017%; no homozygotes.

Submissions (7):

Labcorp Genetics (formerly Invitae), Labcorp
Classification: Pathogenic. Last evaluated: 2025-12-31. Review status: criteria provided, single submitter. Criteria: Invitae Variant Classification Sherloc (09022015). Collection method: clinical testing. Allele origin: germline.
Comment: This sequence change replaces aspartic acid, which is acidic and polar, with asparagine, which is neutral and polar, at codon 277 of the LPL protein (p.Asp277Asn). This variant is present in population databases (rs118204068, gnomAD 0.005%). This missense change has been observed in individual(s) with chylomicronemia (PMID: 1639392, 25966443, 29748148, 30150141). In at least one individual the data is consistent with being in trans (on the opposite chromosome) from a pathogenic variant. This variant is also known as Asp250Asn. ClinVar contains an entry for this variant (Variation ID: 1539). Invitae Evidence Modeling of protein sequence and biophysical properties (such as structural, functional, and spatial information, amino acid conservation, physicochemical variation, residue mobility, and thermodynamic stability) has been performed for this missense variant. However, the output from this modeling did not meet the statistical confidence thresholds required to predict the impact of this variant on LPL protein function. Experimental studies have shown that this missense change affects LPL function (PMID: 1639392). For these reasons, this variant has been classified as Pathogenic.

Natera, Inc.
Classification: Pathogenic for Lipoprotein lipase deficiency. Last evaluated: 2025-12-15. Review status: criteria provided, single submitter. Criteria: Natera Variant Classification Schema (03/2026). Collection method: clinical testing. Allele origin: germline.
Comment: The c.829G>A variant in LPL is a missense variant predicted to cause substitution of aspartic acid to asparagine at amino acid 277. This variant is rare in the general population with a frequency below the threshold expected for the associated phenotype(s). This variant has been observed in one or more individuals affected with the associated recessive disease, as either homozygous or compound heterozygous with a second variant (PMID: 25966443, 24291057). Given the available evidence, this variant is classified as Pathogenic.

Molecular Diagnostic Laboratory for Inherited Cardiovascular Disease, Montreal Heart Institute
Classification: Pathogenic for Cardiovascular phenotype. Last evaluated: 2025-11-21. Review status: criteria provided, single submitter. Criteria: ACMG Guidelines, 2015. Collection method: clinical testing. Allele origin: germline. Affected: yes.
Comment: PS3, PS4, PM1, PM2, PM3, PM5, PP2

AiLife Diagnostics
Classification: Likely pathogenic. Last evaluated: 2022-02-25. Review status: criteria provided, single submitter. Criteria: ACMG Guidelines, 2015. Collection method: clinical testing. Allele origin: germline. Affected: yes. Observed: 1 variant allele.

Fulgent Genetics
Classification: Pathogenic for Hyperlipidemia, familial combined, LPL related; Hyperlipoproteinemia, type I. Last evaluated: 2021-09-12. Review status: criteria provided, single submitter. Criteria: ACMG Guidelines, 2015. Collection method: clinical testing. Allele origin: unknown.

Ambry Genetics
Classification: Pathogenic for Cardiovascular phenotype. Last evaluated: 2020-07-21. Review status: criteria provided, single submitter. Criteria: Ambry Variant Classification Scheme 2023. Collection method: clinical testing. Allele origin: germline.
Comment: The p.D277N pathogenic mutation (also known as c.829G>A), located in coding exon 6 of the LPL gene, results from a G to A substitution at nucleotide position 829. The aspartic acid at codon 277 is replaced by asparagine, an amino acid with highly similar properties. This variant has been detected in the homozygous and compound heterozygous states in numerous individuals with familial chylomicronemia syndrome (FCS) (Ishimura-Oka K et al. J. Lipid Res., 1992 May;33:745-54; Wiebusch H et al. Hum. Mutat., 1996;8:381-3; Bijvoet SM et al. Neth J Med, 1996 Nov;49:189-95; Mart&iacute;n-Campos JM et al. Clin. Chim. Acta, 2014 Feb;429:61-8; Ma Y et al. Genomics, 1992 Jul;13:649-53; Rodrigues R et al. J Clin Lipidol Dec;10:394-409; Ariza MJ et al. J Clin Lipidol Aug;12:1482-1492.e3; Rabacchi C et al. Atherosclerosis, 2015 Jul;241:79-86). In the heterozygous state, this variant has been associated with moderate to severe hypertriglyceridemia (Surendran RP et al. J. Intern. Med., 2012 Aug;272:185-96; Minicocci I et al. Atherosclerosis, 2015 Oct;242:618-24). Functional studies indicate that this alteration results in deficient protein function (Ishimura-Oka K et al. J. Lipid Res., 1992 May;33:745-54; Ma Y et al. Genomics, 1992 Jul;13:649-53; Mart&iacute;n-Campos JM et al. Clin. Chim. Acta, 2014 Feb;429:61-8). Based on the supporting evidence, this alteration is interpreted as a disease-causing mutation.

OMIM
Classification: Pathogenic for LIPOPROTEIN LIPASE DEFICIENCY. Last evaluated: 1992-07-01. Review status: no assertion criteria provided. Collection method: literature only. Allele origin: germline. Not counted in ClinVar's aggregate classification.

Literature cited by the submitters: PubMed 1639392 (cited by 4 submitters); PubMed 25966443 (cited by 3 submitters); PubMed 29748148 (cited by Labcorp Genetics (formerly Invitae), Labcorp); PubMed 30150141 (cited by 3 submitters); PubMed 24291057 (cited by Natera, Inc. and Ambry Genetics); PubMed 32041611 (cited by AiLife Diagnostics); PubMed 27055971 (cited by AiLife Diagnostics and Ambry Genetics); PubMed 1619366 (cited by Ambry Genetics); PubMed 22239554 (cited by Ambry Genetics); PubMed 26342331 (cited by Ambry Genetics); PubMed 8956048 (cited by Ambry Genetics); PubMed 8973094 (cited by Ambry Genetics).